The following is an entry in ClinVar:

NM_000426.4(LAMA2):c.8282T>C (p.Ile2761Thr)

Genes: LAMA2 (laminin subunit alpha 2; plus strand), LOC126859784 (CDK7 strongly-dependent group 2 enhancer GRCh37_chr6:129822854-129824053; plus strand). Cytogenetic location: 6q22.33.
Variant type: single nucleotide variant.
Coding change: c.8282T>C on transcript NM_000426.4 (MANE Select); coding-DNA position 8282, T replaced by C.
Protein change: p.Ile2761Thr; replaces isoleucine 2761 with threonine.
Molecular consequence: missense variant.
Genome position (GRCh38, 1-based): chr6:129,502,696, T>C. VCF-style: chr6-129502696-T-C. GRCh37 (hg19) VCF-style: chr6-129823841-T-C.
Other names: p.Ile2761Thr; c.8270T>C, p.Ile2757Thr (NM_001079823.2); short protein forms I2761T, I2757T.
Identifiers: ClinVar variation 242607 (VCV000242607.25), dbSNP rs115650537, ClinGen allele CA051962.

ClinVar aggregate classification (germline): Conflicting classifications of pathogenicity. Review status: criteria provided, conflicting classifications (1 of 4 stars). 7 submissions from 7 submitters: Uncertain significance (2); Likely benign (4). 1 of the submissions does not count toward it. Last evaluated 2026-01-19.

Conditions:
LAMA2-related disorder. Also called: LAMA2-related disorders; LAMA2-related condition.
LAMA2-related muscular dystrophy (LAMA2-RD). Also called: Laminin alpha 2-related dystrophy. Identifiers: MedGen C5679788, MONDO:0100228.
Congenital muscular dystrophy due to partial LAMA2 deficiency. Identifiers: MedGen C1842898.

Allele frequency attached by ClinVar (database versions not stated): gnomAD exomes 0.00007 and 0.00020; ExAC 0.00029; gnomAD 0.00080; 1000 Genomes Project 0.00120; ESP Exome Variant Server 0.00123; TOPMed 0.00123; 1000 Genomes Project 30x 0.00125.
gnomAD v4.1: 266 of 1,614,016 alleles (0.016%); highest among the groups gnomAD compares: African/African-American, 0.33%; no homozygotes.

Submissions (7):

Labcorp Genetics (formerly Invitae), Labcorp
Classification: Likely benign for LAMA2-related muscular dystrophy. Last evaluated: 2026-01-19. Review status: criteria provided, single submitter. Criteria: Invitae Variant Classification Sherloc (09022015). Collection method: clinical testing. Allele origin: germline.

Mayo Clinic Laboratories, Mayo Clinic
Classification: Likely benign. Last evaluated: 2025-05-06. Review status: criteria provided, single submitter. Criteria: ACMG Guidelines, 2015. Collection method: clinical testing. Allele origin: germline. Observed: 2 variant alleles.
Comment: BS1, BP4

Blueprint Genetics
Classification: Likely benign. Last evaluated: 2024-09-09. Review status: criteria provided, single submitter. Criteria: ACMG Guidelines, 2015. Collection method: clinical testing. Allele origin: germline.

GeneDx
Classification: Likely benign. Last evaluated: 2019-12-18. Review status: criteria provided, single submitter. Criteria: GeneDx Variant Classification Process June 2021. Collection method: clinical testing. Allele origin: germline. Affected: yes.

Illumina Laboratory Services, Illumina
Classification: Uncertain significance for Congenital muscular dystrophy due to partial LAMA2 deficiency. Last evaluated: 2018-01-13. Review status: criteria provided, single submitter. Criteria: ICSL Variant Classification Criteria 13 December 2019. Collection method: clinical testing. Allele origin: germline.

Eurofins Ntd Llc (ga)
Classification: Uncertain significance. Last evaluated: 2017-03-29. Review status: criteria provided, single submitter. Criteria: EGL Classification Definitions 2015. Collection method: clinical testing. Allele origin: germline. Observed: 2 variant alleles, 2 heterozygotes.

PreventionGenetics, part of Exact Sciences
Classification: Likely benign for LAMA2-related condition. Last evaluated: 2022-07-29. Review status: no assertion criteria provided. Collection method: clinical testing. Allele origin: germline. Not counted in ClinVar's aggregate classification.
Comment: This variant is classified as likely benign based on ACMG/AMP sequence variant interpretation guidelines (Richards et al. 2015 PMID: 25741868, with internal and published modifications).